The following is an entry in ClinVar:

NM_001278919.2(KCNH6):c.1864G>C (p.Val622Leu)

Gene: KCNH6 (potassium voltage-gated channel subfamily H member 6; plus strand). Cytogenetic location: 17q23.3.
Variant type: single nucleotide variant.
Coding change: c.1864G>C on transcript NM_001278919.2 (MANE Select); coding-DNA position 1864, G replaced by C.
Protein change: p.Val622Leu; replaces valine 622 with leucine.
Molecular consequence: missense variant.
Genome position (GRCh38, 1-based): chr17:63,538,572, G>C. VCF-style: chr17-63538572-G-C. GRCh37 (hg19) VCF-style: chr17-61615933-G-C.
Other names: c.1495G>C, p.Val499Leu (NM_001278920.2); c.1864G>C, p.Val622Leu (NM_030779.4); c.1705G>C, p.Val569Leu (NM_173092.4); short protein forms V499L, V569L, V622L.
Identifiers: ClinVar variation 2648080 (VCV002648080.24), dbSNP rs2510798114, ClinGen allele CA400540226.

ClinVar aggregate classification (germline): Uncertain significance (1 of 4 stars; one submission).

Allele frequency attached by ClinVar (database versions not stated): gnomAD exomes below 0.00001.
gnomAD v4.1: 6 of 1,613,008 alleles (0.00037%); highest among the groups gnomAD compares: Non-Finnish European, 0.00051%; no homozygotes.

Submission:

CeGaT Center for Human Genetics Tuebingen
Classification: Uncertain significance. Last evaluated: 2022-07-01. Review status: criteria provided, single submitter. Criteria: CeGaT Center For Human Genetics Tuebingen Variant Classification Criteria Version 2. Collection method: clinical testing. Allele origin: germline. Affected: yes. Observed: 1 variant allele.
Comment: KCNH6: PM2